The following is an entry in ClinVar:

ClinVar aggregate classification (germline): Uncertain significance. Review status: criteria provided, multiple submitters, no conflicts (2 of 4 stars). 2 submissions from 2 submitters: Uncertain significance (2). Last evaluated 2025-08-29.

Conditions:
Inborn genetic diseases. Identifiers: MedGen C0950123, MeSH D030342.

gnomAD v4.1: 8 of 1,603,306 alleles (0.0005%); highest among the groups gnomAD compares: Non-Finnish European, 0.0006%; no homozygotes.

Submissions (2):

Ambry Genetics
Classification: Uncertain significance for Inborn genetic diseases. Last evaluated: 2025-08-29. Review status: criteria provided, single submitter. Criteria: Ambry Variant Classification Scheme 2023. Collection method: clinical testing. Allele origin: germline.

Labcorp Genetics (formerly Invitae), Labcorp
Classification: Uncertain significance. Last evaluated: 2025-01-08. Review status: criteria provided, single submitter. Criteria: Invitae Variant Classification Sherloc (09022015). Collection method: clinical testing. Allele origin: germline.
Comment: This sequence change replaces proline, which is neutral and non-polar, with leucine, which is neutral and non-polar, at codon 388 of the LAMA1 protein (p.Pro388Leu). This variant is present in population databases (rs760736243, gnomAD 0.002%). This variant has not been reported in the literature in individuals affected with LAMA1-related conditions. An algorithm developed to predict the effect of missense changes on protein structure and function (PolyPhen-2) suggests that this variant is likely to be disruptive. In summary, the available evidence is currently insufficient to determine the role of this variant in disease. Therefore, it has been classified as a Variant of Uncertain Significance.

NM_005559.4(LAMA1):c.1163C>T (p.Pro388Leu)

Gene: LAMA1 (laminin subunit alpha 1; minus strand). Cytogenetic location: 18p11.31.
Variant type: single nucleotide variant.
Coding change: c.1163C>T on transcript NM_005559.4 (MANE Select); coding-DNA position 1163, C replaced by T.
Protein change: p.Pro388Leu; replaces proline 388 with leucine.
Molecular consequence: missense variant.
Genome position (GRCh38, 1-based): chr18:7,042,243, G>A on the plus strand (C>T on the coding strand, the complement: LAMA1 is on the minus strand). VCF-style: chr18-7042243-G-A. GRCh37 (hg19) VCF-style: chr18-7042242-G-A.
Other names: c.1163C>T (NM_005559.3); short protein forms P388L.
Identifiers: ClinVar variation 3614179 (VCV003614179.3).
Genomic context (GRCh38, chr18:7,042,243, plus strand): 5'-ACAGAACTGAGGGACCCCACAGGGTCACAATTACAGGGGCGGCAAGGCTCATCCTCATAA[G>A]GAGACACCTGAAAGGCAGAGGTTGCCCTGGATTCTCTTACTAGAAATAACAGCAATGTTG-3'
Protein context (NP_005550.2, residues 378-398): DGYYRPHKVS[Pro388Leu]YEDEPCRPCN